The following is an entry in ClinVar:

ClinVar aggregate classification (germline): Uncertain significance. Review status: criteria provided, multiple submitters, no conflicts (2 of 4 stars). 5 submissions from 5 submitters: Uncertain significance (4). 1 of the submissions does not count toward it. Last evaluated 2025-03-17.

Conditions:
Cardiovascular phenotype. Identifiers: MedGen CN230736.
Long QT syndrome (LQTS). Identifiers: MedGen C0023976, MeSH D008133, MONDO:0002442. Disease mechanism: loss of function. Inheritance: Various modes of inheritance.

Allele frequency attached by ClinVar (database versions not stated): gnomAD 0.00001 and below 0.00001; TOPMed 0.00001.

Submissions (5):

GeneDx
Classification: Uncertain significance. Last evaluated: 2025-03-17. Review status: criteria provided, single submitter. Criteria: GeneDx Variant Classification Process June 2021. Collection method: clinical testing. Allele origin: germline. Affected: yes.
Comment: Not observed at significant frequency in large population cohorts (gnomAD); In silico analysis indicates that this missense variant does not alter protein structure/function; Has not been previously published as pathogenic or benign in association with a KCNH2-related disorder to our knowledge; This variant is associated with the following publications: (PMID: 14661677)

Mayo Clinic Laboratories, Mayo Clinic
Classification: Uncertain significance. Last evaluated: 2025-01-09. Review status: criteria provided, single submitter. Criteria: ACMG Guidelines, 2015. Collection method: clinical testing. Allele origin: germline. Observed: 1 variant allele.
Comment: BS3_supporting, PP2

Labcorp Genetics (formerly Invitae), Labcorp
Classification: Uncertain significance for Long QT syndrome. Last evaluated: 2023-10-07. Review status: criteria provided, single submitter. Criteria: Invitae Variant Classification Sherloc (09022015). Collection method: clinical testing. Allele origin: germline.
Comment: This sequence change replaces alanine, which is neutral and non-polar, with threonine, which is neutral and polar, at codon 203 of the KCNH2 protein (p.Ala203Thr). This variant is not present in population databases (gnomAD no frequency). This variant has not been reported in the literature in individuals affected with KCNH2-related conditions. ClinVar contains an entry for this variant (Variation ID: 67514). An algorithm developed to predict the effect of missense changes on protein structure and function (PolyPhen-2) suggests that this variant¬†is likely to be tolerated. Experimental studies are conflicting or provide insufficient evidence to determine the effect of this variant on KCNH2 function (PMID: 31493592). In summary, the available evidence is currently insufficient to determine the role of this variant in disease. Therefore, it has been classified as a Variant of Uncertain Significance.

Ambry Genetics
Classification: Uncertain significance for Cardiovascular phenotype. Last evaluated: 2020-08-27. Review status: criteria provided, single submitter. Criteria: Ambry Variant Classification Scheme 2023. Collection method: clinical testing. Allele origin: germline.

Cardiovascular Biomedical Research Unit, Royal Brompton & Harefield NHS Foundation Trust
No classification provided. Review status: no classification provided. Collection method: literature only. Allele origin: germline. Not counted in ClinVar's aggregate classification.
Comment: This variant has been reported in the following publications (PMID:14661677;PMID:19841300).

Literature cited by the submitters: PubMed 14661677 (cited by Mayo Clinic Laboratories, Mayo Clinic and Cardiovascular Biomedical Research Unit, Royal Brompton & Harefield NHS Foundation Trust); PubMed 19841300 (cited by Mayo Clinic Laboratories, Mayo Clinic and Cardiovascular Biomedical Research Unit, Royal Brompton & Harefield NHS Foundation Trust); PubMed 31493592 (cited by Mayo Clinic Laboratories, Mayo Clinic and Labcorp Genetics (formerly Invitae), Labcorp); PubMed 35243873 (cited by Mayo Clinic Laboratories, Mayo Clinic); PubMed 22581653 (cited by Cardiovascular Biomedical Research Unit, Royal Brompton & Harefield NHS Foundation Trust).

NM_000238.4(KCNH2):c.607G>A (p.Ala203Thr)

Gene: KCNH2 (potassium voltage-gated channel subfamily H member 2; minus strand). Cytogenetic location: 7q36.1.
Variant type: single nucleotide variant.
Coding change: c.607G>A on transcript NM_000238.4 (MANE Select); coding-DNA position 607, G replaced by A.
Protein change: p.Ala203Thr; replaces alanine 203 with threonine.
Molecular consequence: missense variant.
Genome position (GRCh38, 1-based): chr7:150,958,368, C>T on the plus strand (G>A on the coding strand, the complement: KCNH2 is on the minus strand). VCF-style: chr7-150958368-C-T. GRCh37 (hg19) VCF-style: chr7-150655456-C-T.
Other names: p.Ala203Thr; c.607G>A (LRG_288t1, NM_000238.2); c.319G>A, p.Ala107Thr (NM_001406753.1, NM_001406756.1); c.430G>A, p.Ala144Thr (NM_001406755.1); c.307G>A, p.Ala103Thr (NM_001406757.1); c.607G>A, p.Ala203Thr (NM_172056.3); short protein forms A203T, A103T, A107T, A144T.
Identifiers: ClinVar variation 67514 (VCV000067514.11), dbSNP rs199472868, ClinGen allele CA008631.